The following is an entry in ClinVar:

ClinVar aggregate classification (germline): Likely benign. Review status: criteria provided, single submitter (1 of 4 stars). 2 submissions from 2 submitters: Likely benign (1). 1 of the submissions does not count toward it. Last evaluated 2025-10-23.

Conditions:
DNAH9-related disorder. Also called: DNAH9-related condition.

Allele frequency attached by ClinVar (database versions not stated): gnomAD 0.00001; gnomAD exomes 0.00004; ExAC 0.00009; TOPMed 0.00009; 1000 Genomes Project 30x 0.00016; 1000 Genomes Project 0.00020.

Submissions (2):

Labcorp Genetics (formerly Invitae), Labcorp
Classification: Likely benign. Last evaluated: 2025-10-23. Review status: criteria provided, single submitter. Criteria: Invitae Variant Classification Sherloc (09022015). Collection method: clinical testing. Allele origin: germline.

PreventionGenetics, part of Exact Sciences
Classification: Likely benign for DNAH9-related condition. Last evaluated: 2019-06-14. Review status: no assertion criteria provided. Collection method: clinical testing. Allele origin: germline. Not counted in ClinVar's aggregate classification.
Comment: This variant is classified as likely benign based on ACMG/AMP sequence variant interpretation guidelines (Richards et al. 2015 PMID: 25741868, with internal and published modifications).

NM_001372.4(DNAH9):c.9729G>A (p.Pro3243=)

Gene: DNAH9 (dynein axonemal heavy chain 9; plus strand). Cytogenetic location: 17p12.
Variant type: single nucleotide variant.
Coding change: c.9729G>A on transcript NM_001372.4 (MANE Select); coding-DNA position 9729, G replaced by A.
Protein change: p.Pro3243=; no amino-acid change (proline 3243 retained).
Molecular consequence: synonymous variant.
Genome position (GRCh38, 1-based): chr17:11,854,224, G>A. VCF-style: chr17-11854224-G-A. GRCh37 (hg19) VCF-style: chr17-11757541-G-A.
Other names: c.9729G>A (NM_001372.3).
Identifiers: ClinVar variation 2075157 (VCV002075157.6), dbSNP rs149731222, ClinGen allele CA8397292.
Genomic context (GRCh38, chr17:11,854,224, plus strand): 5'-CTCGCTAATAAACTTCAACAAAGAGAACATTCACGAGAACTGCCTCAAAGCCATCAGGCC[G>A]TATCTGCAAGACCCCGAGTTCAATCCTGAGTTTGTGGCCACCAAATCCTATGCGGCTGCA-3'
Protein context (NP_001363.2, residues 3233-3253): IHENCLKAIR[Pro3243=]YLQDPEFNPE